The following is an entry in ClinVar:

NM_020822.3(KCNT1):c.254+1G>A

Gene: KCNT1 (potassium sodium-activated channel subfamily T member 1; plus strand). Cytogenetic location: 9q34.3.
Variant type: single nucleotide variant.
Coding change: c.254+1G>A on transcript NM_020822.3 (MANE Select); the canonical splice donor site of the intron after coding-DNA position 254, G replaced by A.
Molecular consequence: splice donor variant. On other transcripts: intron variant (1).
Genome position (GRCh38, 1-based): chr9:135,714,721, G>A. VCF-style: chr9-135714721-G-A. GRCh37 (hg19) VCF-style: chr9-138606567-G-A.
Other names: c.110+12353G>A (NM_001272003.2).
Identifiers: ClinVar variation 4076920 (VCV004076920.1).
Genomic context (GRCh38, chr9:135,714,721, plus strand): 5'-GCCGCGCTACCGCTTCCGGGACCTGCTGCTGGGCGACCCGTCCTTCCAGAACGACGACAG[G>A]TAGGGACCGGGCGCGGGGTGGGGGCTGGGGTCGCCGTCCCGGCGCCGCCGCACGCCCGGA-3'

ClinVar aggregate classification (germline): Uncertain significance (1 of 4 stars; one submission).

Submission:

GeneDx
Classification: Uncertain significance. Last evaluated: 2025-02-22. Review status: criteria provided, single submitter. Criteria: GeneDx Variant Classification Process June 2021. Collection method: clinical testing. Allele origin: germline. Affected: yes.
Comment: Not observed at significant frequency in large population cohorts (gnomAD); Has not been previously published as pathogenic or benign to our knowledge; Canonical splice site variant in a gene for which loss-of-function is not a known mechanism of disease